The following is an entry in ClinVar:

ClinVar aggregate classification (germline): Benign (1 of 4 stars; one submission).

Conditions:
Short stature due to growth hormone secretagogue receptor deficiency (GHDP). Also called: Short stature due to GHSR deficiency. Identifiers: Orphanet 314811, MedGen C5887324, MONDO:0014403, OMIM 615925.

Allele frequency attached by ClinVar (database versions not stated): 1000 Genomes Project 0.58866; 1000 Genomes Project 30x 0.59041; TOPMed 0.68287.
gnomAD v4.1: 103,239 of 152,010 alleles (68%); highest among the groups gnomAD compares: Non-Finnish European, 74%; 35,541 homozygotes.

Submission:

Illumina Laboratory Services, Illumina
Classification: Benign for Short stature due to growth hormone secretagogue receptor deficiency. Last evaluated: 2018-01-12. Review status: criteria provided, single submitter. Criteria: ICSL Variant Classification Criteria 13 December 2019. Collection method: clinical testing. Allele origin: germline.
Comment: This variant was observed in the ICSL laboratory as part of a predisposition screen in an ostensibly healthy population. It had not been previously curated by ICSL or reported in the Human Gene Mutation Database (HGMD: prior to June 1st, 2018), and was therefore a candidate for classification through an automated scoring system. Utilizing variant allele frequency, disease prevalence and penetrance estimates, and inheritance mode, an automated score was calculated to assess if this variant is too frequent to cause the disease. Based on the score and internal cut-off values, a variant classified as benign is not then subjected to further curation. The score for this variant resulted in a classification of benign for this disease.

NM_198407.2(GHSR):c.*834C>A

Gene: GHSR (growth hormone secretagogue receptor; minus strand). Cytogenetic location: 3q26.31.
Variant type: single nucleotide variant.
Coding change: c.*834C>A on transcript NM_198407.2 (MANE Select); 834 bases downstream of the stop codon, C replaced by A.
Molecular consequence: 3 prime UTR variant.
Genome position (GRCh38, 1-based): chr3:172,444,327, G>T on the plus strand (C>A on the coding strand, the complement: GHSR is on the minus strand). VCF-style: chr3-172444327-G-T. GRCh37 (hg19) VCF-style: chr3-172162117-G-T.
Identifiers: ClinVar variation 344186 (VCV000344186.5), dbSNP rs565105, ClinGen allele CA10615311.